The following is an entry in ClinVar:

NM_000428.3(LTBP2):c.2231C>T (p.Ala744Val)

Gene: LTBP2 (latent transforming growth factor beta binding protein 2; minus strand). Cytogenetic location: 14q24.3.
Variant type: single nucleotide variant.
Coding change: c.2231C>T on transcript NM_000428.3 (MANE Select); coding-DNA position 2231, C replaced by T.
Protein change: p.Ala744Val; replaces alanine 744 with valine.
Molecular consequence: missense variant.
Genome position (GRCh38, 1-based): chr14:74,528,620, G>A on the plus strand (C>T on the coding strand, the complement: LTBP2 is on the minus strand). VCF-style: chr14-74528620-G-A. GRCh37 (hg19) VCF-style: chr14-74995323-G-A.
Other names: short protein forms A744V.
Identifiers: ClinVar variation 1402522 (VCV001402522.5), dbSNP rs1310944162, ClinGen allele CA390394780.

ClinVar aggregate classification (germline): Uncertain significance (1 of 4 stars; one submission).

Allele frequency attached by ClinVar (database versions not stated): gnomAD exomes 0.00002.
gnomAD v4.1: 25 of 1,613,588 alleles (0.0015%); highest among the groups gnomAD compares: Non-Finnish European, 0.0021%; no homozygotes.

Submission:

Labcorp Genetics (formerly Invitae), Labcorp
Classification: Uncertain significance. Last evaluated: 2021-12-13. Review status: criteria provided, single submitter. Criteria: Invitae Variant Classification Sherloc (09022015). Collection method: clinical testing. Allele origin: germline.
Comment: In summary, the available evidence is currently insufficient to determine the role of this variant in disease. Therefore, it has been classified as a Variant of Uncertain Significance. Algorithms developed to predict the effect of missense changes on protein structure and function (SIFT, PolyPhen-2, Align-GVGD) all suggest that this variant is likely to be disruptive. This variant has not been reported in the literature in individuals affected with LTBP2-related conditions. This variant is not present in population databases (gnomAD no frequency). This sequence change replaces alanine, which is neutral and non-polar, with valine, which is neutral and non-polar, at codon 744 of the LTBP2 protein (p.Ala744Val).